The following is an entry in ClinVar:

NM_000548.5(TSC2):c.2477T>C (p.Leu826Pro)

Gene: TSC2 (TSC complex subunit 2; plus strand). Cytogenetic location: 16p13.3.
Variant type: single nucleotide variant.
Coding change: c.2477T>C on transcript NM_000548.5 (MANE Select); coding-DNA position 2477, T replaced by C.
Protein change: p.Leu826Pro; replaces leucine 826 with proline.
Molecular consequence: missense variant.
Genome position (GRCh38, 1-based): chr16:2,074,321, T>C. VCF-style: chr16-2074321-T-C. GRCh37 (hg19) VCF-style: chr16-2124322-T-C.
Other names: c.2477T>C, p.Leu826Pro (NM_001077183.3, NM_001114382.3, NM_001363528.2 and 3 more transcripts); c.2366T>C, p.Leu789Pro (NM_001318827.2); c.2330T>C, p.Leu777Pro (NM_001318829.2); c.1877T>C, p.Leu626Pro (NM_001318831.2); c.2510T>C, p.Leu837Pro (NM_001318832.2); short protein forms L826P, L626P, L777P, L789P, L837P.
Identifiers: ClinVar variation 49751 (VCV000049751.11), dbSNP rs45517239, ClinGen allele CA017496.
Genomic context (GRCh38, chr16:2,074,321, plus strand): 5'-TGGCCTTGTCCATCTGCAGCGTGGAGATGCCTGACATCATCATCAAGGCGCTGCCTGTTC[T>C]GGTGGTGAAGCTCACGCACATCTCAGCCACAGCCAGCATGGCCGTCCCACTGCTGGAGTT-3'
Protein context (NP_000539.2, residues 816-836): PDIIIKALPV[Leu826Pro]VVKLTHISAT

ClinVar aggregate classification (germline): Pathogenic/Likely pathogenic. Review status: criteria provided, multiple submitters, no conflicts (2 of 4 stars). 4 submissions from 4 submitters: Pathogenic (1); Likely pathogenic (1). 2 of the submissions do not count toward it. Last evaluated 2026-05-08.

Conditions:
Tuberous sclerosis syndrome (TSC). Also called: Tuberous Sclerosis Complex; Tuberous sclerosis. Identifiers: Orphanet 805, MedGen C0041341, MONDO:0001734.
Tuberous sclerosis 2 (TSC2). Identifiers: Orphanet 805, MedGen C1860707, MONDO:0013199, OMIM 613254.

Submissions (4):

GeneDx
Classification: Pathogenic. Last evaluated: 2026-05-08. Review status: criteria provided, single submitter. Criteria: GeneDx Variant Classification Process June 2021. Collection method: clinical testing. Allele origin: germline.
Comment: Published functional studies demonstrate this missense change results in reduced TSC2 and TSC1 protein levels, impairing the ability of the TSC1-TSC2 complex to inhibit TORC1 kinase (PMID: 22903760); In silico analysis supports that this missense variant has a deleterious effect on protein structure/function; Not observed at significant frequency in large population cohorts (gnomAD); This variant is associated with the following publications: (PMID: 17304050, 22903760)

Labcorp Genetics (formerly Invitae), Labcorp
Classification: Likely pathogenic for Tuberous sclerosis 2. Last evaluated: 2024-10-29. Review status: criteria provided, single submitter. Criteria: Invitae Variant Classification Sherloc (09022015). Collection method: clinical testing. Allele origin: germline.
Comment: This sequence change replaces leucine, which is neutral and non-polar, with proline, which is neutral and non-polar, at codon 826 of the TSC2 protein (p.Leu826Pro). This variant is not present in population databases (gnomAD no frequency). This missense change has been observed in individual(s) with tuberous sclerosis complex (PMID: 21520333, 22903760). In at least one individual the variant was observed to be de novo. ClinVar contains an entry for this variant (Variation ID: 49751). Invitae Evidence Modeling of protein sequence and biophysical properties (such as structural, functional, and spatial information, amino acid conservation, physicochemical variation, residue mobility, and thermodynamic stability) has been performed for this missense variant. However, the output from this modeling did not meet the statistical confidence thresholds required to predict the impact of this variant on TSC2 protein function. Experimental studies have shown that this missense change affects TSC2 function (PMID: 22903760). In summary, the currently available evidence indicates that the variant is pathogenic, but additional data are needed to prove that conclusively. Therefore, this variant has been classified as Likely Pathogenic.

Genetics and Genomic Medicine Centre, NeuroGen Healthcare, NeuroGen Healthcare
Classification: Likely pathogenic. Last evaluated: 2021-06-15. Review status: no assertion criteria provided. Collection method: clinical testing. Allele origin: unknown. Affected: yes. Not counted in ClinVar's aggregate classification.

Tuberous sclerosis database (TSC2)
No classification provided. Condition: TSC. Review status: no classification provided. Criteria: Tuberous Sclerosis Database Assertion Criteria 2015. Collection method: curation. Allele origin: germline. Affected: yes. Not counted in ClinVar's aggregate classification.

Literature cited by the submitters: PubMed 21520333 (cited by Labcorp Genetics (formerly Invitae), Labcorp); PubMed 22903760 (cited by Labcorp Genetics (formerly Invitae), Labcorp).